The following is an entry in ClinVar:

ClinVar aggregate classification (germline): Benign/Likely benign. Review status: criteria provided, multiple submitters, no conflicts (2 of 4 stars). 9 submissions from 9 submitters: Benign (7); Likely benign (1). 1 of the submissions does not count toward it. Last evaluated 2026-02-03.

Conditions:
Progressive microcephaly-seizures-cortical blindness-developmental delay syndrome. Also called: Seizures, cortical blindness, and microcephaly syndrome. Identifiers: Orphanet 477814, MedGen C5567650, MONDO:0014714, OMIM 616632.
Autosomal dominant nonsyndromic hearing loss 1. Also called: DEAFNESS, AUTOSOMAL DOMINANT 1, WITH OR WITHOUT THROMBOCYTOPENIA; KONIGSMARK SYNDROME. Identifiers: Orphanet 90635, MedGen C1852282, MONDO:0007424, OMIM 124900.

Submissions (9):

Labcorp Genetics (formerly Invitae), Labcorp
Classification: Benign for Progressive microcephaly-seizures-cortical blindness-developmental delay syndrome; Autosomal dominant nonsyndromic hearing loss 1. Last evaluated: 2026-02-03. Review status: criteria provided, single submitter. Criteria: Invitae Variant Classification Sherloc (09022015). Collection method: clinical testing. Allele origin: germline.

Blueprint Genetics
Classification: Likely benign. Last evaluated: 2024-11-26. Review status: criteria provided, single submitter. Criteria: ACMG Guidelines, 2015. Collection method: clinical testing. Allele origin: germline.

Mayo Clinic Laboratories, Mayo Clinic
Classification: Benign. Last evaluated: 2022-09-29. Review status: criteria provided, single submitter. Criteria: ACMG Guidelines, 2015. Collection method: clinical testing. Allele origin: germline. Observed: 46 variant alleles.

GeneDx
Classification: Benign. Last evaluated: 2017-09-12. Review status: criteria provided, single submitter. Criteria: GeneDx Variant Classification Process June 2021. Collection method: clinical testing. Allele origin: germline. Affected: yes.

Eurofins Ntd Llc (ga)
Classification: Benign. Last evaluated: 2016-04-12. Review status: criteria provided, single submitter. Criteria: EGL Classification Definitions 2015. Collection method: clinical testing. Allele origin: germline. Observed: 2 variant alleles, 2 heterozygotes.

Clinical Genetics DNA and cytogenetics Diagnostics Lab, Erasmus MC, Erasmus Medical Center
Classification: Benign for Autosomal dominant nonsyndromic hearing loss 1. Last evaluated: 2015-08-28. Review status: criteria provided, single submitter. Criteria: ACGS Guidelines, 2013. Collection method: clinical testing. Allele origin: germline. Affected: yes. Study: VKGL Data-share Consensus.

Laboratory for Molecular Medicine, Mass General Brigham Personalized Medicine
Classification: Benign. Last evaluated: 2014-10-31. Review status: criteria provided, single submitter. Criteria: LMM Criteria. Collection method: clinical testing. Allele origin: germline. Observed: 36 variant alleles.
Comment: c.1821TCC[10] in exon 16 of DIAPH1: This allele is a part of a poly TCC stretch and is not expected to have clinical significance because it has been identified in 13% (994/7732) of European American chromosomes and 11% (411/3592) of Africa n American chromosomes by the NHLBI Exome Sequencing Project (dbSNP rs35249032).

PreventionGenetics, part of Exact Sciences
Classification: Benign. Review status: criteria provided, single submitter. Criteria: ACMG Guidelines, 2015. Collection method: clinical testing. Allele origin: germline.

Diagnostic Laboratory, Department of Genetics, University Medical Center Groningen
Classification: Benign for Autosomal dominant nonsyndromic hearing loss 1. Review status: no assertion criteria provided. Collection method: clinical testing. Allele origin: germline. Affected: yes. Study: VKGL Data-share Consensus. Not counted in ClinVar's aggregate classification.

NM_005219.5(DIAPH1):c.1821TCC[10] (p.Pro620del)

Gene: DIAPH1 (diaphanous related formin 1; minus strand). Cytogenetic location: 5q31.3.
Variant type: Microsatellite.
Coding change: c.1821TCC[10] on transcript NM_005219.5 (MANE Select); ten copies in a row of the 3-base unit TCC starting at c.1821; the reference has 11 copies in a row; one copy, 3 bases deleted; also written c.1851_1853del.
Protein change: p.Pro620del; deletes proline 620.
Molecular consequence: inframe deletion.
Genome position (GRCh38, 1-based): chr5:141,573,997-141,573,999, GGA deleted on the plus strand (TCC on the coding strand, the reverse complement: DIAPH1 is on the minus strand); deleting any 3 consecutive bases within chr5:141,573,997-141,574,030 gives the same sequence; the position shown is the placement nearest the transcript's 3' end. VCF-style (leftmost placement, unchanged base first): chr5-141573996-TGGA-T. GRCh37 (hg19) VCF-style: chr5-140953563-TGGA-T.
Other names: c.1851_1853del (NM_005219.5); c.1794TCC[10], p.Pro611del (NM_001079812.3); c.1821TCC[10], p.Pro620del (NM_001314007.2); short protein forms P620del, P611del.
Identifiers: ClinVar variation 226563 (VCV000226563.22), dbSNP rs3075570, ClinGen allele CA3479199.